The following is an entry in ClinVar:

ClinVar aggregate classification (germline): Uncertain significance (1 of 4 stars; one submission).

Conditions:
COG5-congenital disorder of glycosylation. Also called: CDG IIi; CONGENITAL DISORDER OF GLYCOSYLATION, TYPE IIi; COG5-CDG. Identifiers: Orphanet 263487, MedGen C3150876, MONDO:0013325, OMIM 613612.

Allele frequency attached by ClinVar (database versions not stated): ExAC 0.00001; gnomAD exomes 0.00001; gnomAD 0.00002; TOPMed 0.00002.
gnomAD v4.1: 17 of 1,601,092 alleles (0.0011%); highest among the groups gnomAD compares: Non-Finnish European, 0.0015%; no homozygotes.

Submission:

Labcorp Genetics (formerly Invitae), Labcorp
Classification: Uncertain significance for COG5-congenital disorder of glycosylation. Last evaluated: 2022-01-27. Review status: criteria provided, single submitter. Criteria: Invitae Variant Classification Sherloc (09022015). Collection method: clinical testing. Allele origin: germline.
Comment: This sequence change falls in intron 18 of the COG5 gene. It does not directly change the encoded amino acid sequence of the COG5 protein. It affects a nucleotide within the consensus splice site. This variant is present in population databases (rs775084095, gnomAD 0.002%). This variant has not been reported in the literature in individuals affected with COG5-related conditions. Variants that disrupt the consensus splice site are a relatively common cause of aberrant splicing (PMID: 17576681, 9536098). Algorithms developed to predict the effect of sequence changes on RNA splicing suggest that this variant is not likely to affect RNA splicing. In summary, the available evidence is currently insufficient to determine the role of this variant in disease. Therefore, it has been classified as a Variant of Uncertain Significance.

Literature cited by the submitters: PubMed 17576681; PubMed 9536098.

NM_006348.5(COG5):c.2091+6T>C

Gene: COG5 (component of oligomeric golgi complex 5; minus strand). Cytogenetic location: 7q22.3.
Variant type: single nucleotide variant.
Coding change: c.2091+6T>C on transcript NM_006348.5 (MANE Select); 6 bases into the intron after coding-DNA position 2091, T replaced by C.
Molecular consequence: intron variant.
Genome position (GRCh38, 1-based): chr7:107,236,444, A>G on the plus strand (T>C on the coding strand, the complement: COG5 is on the minus strand). VCF-style: chr7-107236444-A-G. GRCh37 (hg19) VCF-style: chr7-106876889-A-G.
Other names: c.1377+6T>C (NM_001379516.1); c.1521+6T>C (NM_001379515.1); c.1929+6T>C (NM_001379511.1); c.1917+6T>C (NM_001379512.1); c.2028+6T>C (NM_181733.4); c.1853+11952T>C (NM_001379514.1); c.2091+6T>C (NM_001379513.1, NM_001161520.2).
Identifiers: ClinVar variation 1940775 (VCV001940775.5), dbSNP rs775084095, ClinGen allele CA4430707.